The following is an entry in ClinVar:

ClinVar aggregate classification (germline): Uncertain significance (1 of 4 stars; one submission).

Conditions:
Dystonia 12 (DYT12). Also called: DYT-ATP1A3; Rapid-Onset Dystonia-Parkinsonism (RDP). Identifiers: Orphanet 71517, MedGen C1868681, MONDO:0007496, OMIM 128235.

Submission:

Labcorp Genetics (formerly Invitae), Labcorp
Classification: Uncertain significance for Dystonia 12. Last evaluated: 2024-04-17. Review status: criteria provided, single submitter. Criteria: Invitae Variant Classification Sherloc (09022015). Collection method: clinical testing. Allele origin: germline.
Comment: This sequence change falls in intron 5 of the ATP1A3 gene. It does not directly change the encoded amino acid sequence of the ATP1A3 protein. This variant is not present in population databases (gnomAD no frequency). This variant has not been reported in the literature in individuals affected with ATP1A3-related conditions. Algorithms developed to predict the effect of sequence changes on RNA splicing suggest that this variant may create or strengthen a splice site. In summary, the available evidence is currently insufficient to determine the role of this variant in disease. Therefore, it has been classified as a Variant of Uncertain Significance.

NM_152296.5(ATP1A3):c.471+16C>T

Gene: ATP1A3 (ATPase Na+/K+ transporting subunit alpha 3; minus strand). Cytogenetic location: 19q13.2.
Variant type: single nucleotide variant.
Coding change: c.471+16C>T on transcript NM_152296.5 (MANE Select); 16 bases into the intron after coding-DNA position 471, C replaced by T.
Molecular consequence: intron variant.
Genome position (GRCh38, 1-based): chr19:41,986,100, G>A on the plus strand (C>T on the coding strand, the complement: ATP1A3 is on the minus strand). VCF-style: chr19-41986100-G-A. GRCh37 (hg19) VCF-style: chr19-42490252-G-A.
Other names: c.510+16C>T (NM_001256214.2); c.504+16C>T (NM_001256213.2).
Identifiers: ClinVar variation 3650213 (VCV003650213.2).